The following is an entry in ClinVar:

ClinVar aggregate classification (germline): Uncertain significance (1 of 4 stars; one submission).

Conditions:
IMPG1-related disorder. Also called: IMPG1-related condition.

Submission:

PreventionGenetics, part of Exact Sciences
Classification: Uncertain significance for IMPG1-related condition. Last evaluated: 2025-01-03. Review status: criteria provided, single submitter. Criteria: ACMG Guidelines, 2015. Collection method: clinical testing. Allele origin: germline.
Comment: The IMPG1 c.1092G>C variant is predicted to result in the amino acid substitution p.Glu364Asp. To our knowledge, this variant has not been reported in the literature or in a large population database (gnomAD), indicating this variant is rare. At this time, the clinical significance of this variant is uncertain due to the absence of conclusive functional and genetic evidence.

NM_001563.4(IMPG1):c.1092G>C (p.Glu364Asp)

Gene: IMPG1 (interphotoreceptor matrix proteoglycan 1; minus strand). Cytogenetic location: 6q14.1.
Variant type: single nucleotide variant.
Coding change: c.1092G>C on transcript NM_001563.4 (MANE Select); coding-DNA position 1092, G replaced by C.
Protein change: p.Glu364Asp; replaces glutamic acid 364 with aspartic acid.
Molecular consequence: missense variant.
Genome position (GRCh38, 1-based): chr6:76,005,330, C>G on the plus strand (G>C on the coding strand, the complement: IMPG1 is on the minus strand). VCF-style: chr6-76005330-C-G. GRCh37 (hg19) VCF-style: chr6-76715047-C-G.
Other names: c.858G>C, p.Glu286Asp (NM_001282368.2); short protein forms E286D, E364D.
Identifiers: ClinVar variation 5000320 (VCV005000320.1).